The following is an entry in ClinVar:

ClinVar aggregate classification (germline): Conflicting classifications of pathogenicity. Review status: criteria provided, conflicting classifications (1 of 4 stars). 5 submissions from 5 submitters: Uncertain significance (2); Benign (1); Likely benign (1). 1 of the submissions does not count toward it. Last evaluated 2025-08-10.

Conditions:
Dystrophin deficiency.
Cardiomyopathy (CMYO). Also called: Cardiomyopathies. Identifiers: Orphanet 167848, MedGen C0878544, MONDO:0004994, HP:0001638. Inheritance: Various modes of inheritance.
Becker muscular dystrophy (BMD). Also called: Becker Muscular Dystrophy (BMD); MUSCULAR DYSTROPHY, PSEUDOHYPERTROPHIC PROGRESSIVE, BECKER TYPE. Identifiers: Orphanet 98895, MedGen C0917713, MONDO:0010311, OMIM 300376.
Duchenne muscular dystrophy (DMD). Also called: Duchenne Muscular Dystrophy (DMD); MUSCULAR DYSTROPHY, PSEUDOHYPERTROPHIC PROGRESSIVE, DUCHENNE TYPE. Identifiers: Orphanet 98896, MedGen C0013264, MONDO:0010679, OMIM 310200.
Cardiovascular phenotype. Identifiers: MedGen CN230736.

Allele frequency attached by ClinVar (database versions not stated): ExAC 0.00001; gnomAD exomes 0.00001 and 0.00003; TOPMed 0.00002; gnomAD 0.00003; ESP Exome Variant Server 0.00009.
gnomAD v4.1: 31 of 1,208,996 alleles (0.0026%); highest among the groups gnomAD compares: Non-Finnish European, 0.0034%; no homozygotes.

Submissions (5):

Labcorp Genetics (formerly Invitae), Labcorp
Classification: Benign for Duchenne muscular dystrophy. Last evaluated: 2025-08-10. Review status: criteria provided, single submitter. Criteria: Invitae Variant Classification Sherloc (09022015). Collection method: clinical testing. Allele origin: germline.

Women's Health and Genetics/Laboratory Corporation of America, LabCorp
Classification: Likely benign. Last evaluated: 2025-07-01. Review status: criteria provided, single submitter. Criteria: LabCorp Variant Classification Summary - May 2015. Collection method: clinical testing. Allele origin: germline.
Comment: Variant summary: DMD c.4283A>G (p.Lys1428Arg) results in a conservative amino acid change in the encoded protein sequence. Algorithms developed to predict the effect of missense changes on protein structure and function are either unavailable or do not agree on the potential impact of this missense change. The variant allele was found at a frequency of 2.6e-05 in 1208996 control chromosomes including 9 hemizygotes. The observed variant frequency is approximately 2 fold of the estimated maximal expected allele frequency for a pathogenic variant in DMD causing Duchenne Muscular Dystrophy phenotype (1.1e-05). To our knowledge, no occurrence of c.4283A>G in individuals affected with Duchenne Muscular Dystrophy and no experimental evidence demonstrating its impact on protein function have been reported. ClinVar contains an entry for this variant (Variation ID: 519017). Based on the evidence outlined above, the variant was classified as likely benign.

ARUP Laboratories, Molecular Genetics and Genomics, ARUP Laboratories
Classification: Uncertain significance. Last evaluated: 2024-03-13. Review status: criteria provided, single submitter. Criteria: ARUP Molecular Germline Variant Investigation Process 2024. Collection method: clinical testing. Allele origin: germline.
Comment: The DMD c.4283A>G; p.Lys1428Arg variant (rs371585389), to our knowledge, is not reported in the medical literature but is reported in ClinVar (Variation ID: 519017). This variant is found on only three chromosomes (3/204660 alleles) in the Genome Aggregation Database. The lysine at codon 1428 is highly conserved, and computational analyses predict that this variant is neutral (REVEL: 0.044). However, given the lack of clinical and functional data, the significance of the p.Lys1428Arg variant is uncertain at this time.

Ambry Genetics
Classification: Uncertain significance for Cardiovascular phenotype. Last evaluated: 2024-03-12. Review status: criteria provided, single submitter. Criteria: Ambry Variant Classification Scheme 2023. Collection method: clinical testing. Allele origin: germline.
Comment: The p.K1428R variant (also known as c.4283A>G), located in coding exon 31 of the DMD gene, results from an A to G substitution at nucleotide position 4283. The lysine at codon 1428 is replaced by arginine, an amino acid with highly similar properties. Based on data from gnomAD, the G allele has an overall frequency of <0.01% (3/20466) total alleles studied, with 0 hemizygote(s) observed. The highest observed frequency was <0.01% (1/19063) of African alleles. This amino acid position is well conserved in available vertebrate species; however, arginine is the reference amino acid in other vertebrate species. In addition, this alteration is predicted to be tolerated by in silico analysis. Since supporting evidence is limited at this time, the clinical significance of this alteration remains unclear.

Natera, Inc.
Classification: Uncertain significance for Becker muscular dystrophy; Cardiomyopathy; Duchenne muscular dystrophy; Dystrophin deficiency. Last evaluated: 2020-01-24. Review status: no assertion criteria provided. Collection method: clinical testing. Allele origin: germline. Not counted in ClinVar's aggregate classification.

NM_004006.3(DMD):c.4283A>G (p.Lys1428Arg)

Gene: DMD (dystrophin; minus strand). Cytogenetic location: Xp21.1.
Variant type: single nucleotide variant.
Coding change: c.4283A>G on transcript NM_004006.3 (MANE Select); coding-DNA position 4283, A replaced by G.
Protein change: p.Lys1428Arg; replaces lysine 1428 with arginine.
Molecular consequence: missense variant.
Genome position (GRCh38, 1-based): chrX:32,390,132, T>C on the plus strand (A>G on the coding strand, the complement: DMD is on the minus strand). VCF-style: chrX-32390132-T-C. GRCh37 (hg19) VCF-style: chrX-32408249-T-C.
Other names: c.4259A>G, p.Lys1420Arg (NM_000109.4); c.4271A>G, p.Lys1424Arg (NM_004009.3); c.3914A>G, p.Lys1305Arg (NM_004010.3); c.260A>G, p.Lys87Arg (NM_004011.4); c.251A>G, p.Lys84Arg (NM_004012.4); short protein forms K1428R, K1305R, K1420R, K84R, K1424R, K87R.
Identifiers: ClinVar variation 519017 (VCV000519017.19), dbSNP rs371585389, ClinGen allele CA10378996.